The following is an entry in ClinVar:

ClinVar aggregate classification (germline): Benign/Likely benign. Review status: criteria provided, multiple submitters, no conflicts (2 of 4 stars). 4 submissions from 4 submitters: Benign (2); Likely benign (2). Last evaluated 2025-12-16.

Conditions:
X-linked mixed hearing loss with perilymphatic gusher. Also called: Gusher syndrome; PERILYMPHATIC GUSHER-DEAFNESS SYNDROME; SENSORINEURAL DEAFNESS, PROFOUND, WITH OR WITHOUT A CONDUCTIVE COMPONENT, ASSOCIATED WITH A UNIQUE DEVELOPMENTAL ABNORMALITY OF THE EAR; Deafness, X-linked 2; NANCE DEAFNESS. Identifiers: Orphanet 383, MedGen C1844678, MONDO:0010576, OMIM 304400.

Allele frequency attached by ClinVar (database versions not stated): ExAC 0.00008; gnomAD exomes 0.00011; TOPMed 0.00012; gnomAD 0.00013 and 0.00015; 1000 Genomes Project 0.00079; 1000 Genomes Project 30x 0.00083.
gnomAD v4.1: 176 of 1,210,682 alleles (0.015%); highest among the groups gnomAD compares: East Asian, 0.018%; no homozygotes.

Submissions (4):

Labcorp Genetics (formerly Invitae), Labcorp
Classification: Benign. Last evaluated: 2025-12-16. Review status: criteria provided, single submitter. Criteria: Invitae Variant Classification Sherloc (09022015). Collection method: clinical testing. Allele origin: germline.

Blueprint Genetics
Classification: Likely benign. Last evaluated: 2024-04-10. Review status: criteria provided, single submitter. Criteria: ACMG Guidelines, 2015. Collection method: clinical testing. Allele origin: germline.

Laboratory for Molecular Medicine, Mass General Brigham Personalized Medicine
Classification: Likely benign. Last evaluated: 2018-02-27. Review status: criteria provided, single submitter. Criteria: LMM Criteria. Collection method: clinical testing. Allele origin: germline. Observed: 1 variant allele.
Comment: p.Leu251Leu in exon 1 of POU3F4: This variant is not expected to have clinical s ignificance because it does not alter an amino acid residue, it is not located w ithin the splice consensus sequence, and it is not predicted to impact splicing. It has been identified in 0.03% (3/9904) of South Asian chromosomes by the Exom e Aggregation Consortium (ExAC; dbSNP rs77971384 9).

Illumina Laboratory Services, Illumina
Classification: Benign for X-linked mixed hearing loss with perilymphatic gusher. Last evaluated: 2018-01-13. Review status: criteria provided, single submitter. Criteria: ICSL Variant Classification Criteria 13 December 2019. Collection method: clinical testing. Allele origin: germline.
Comment: This variant was observed in the ICSL laboratory as part of a predisposition screen in an ostensibly healthy population. It had not been previously curated by ICSL or reported in the Human Gene Mutation Database (HGMD: prior to June 1st, 2018), and was therefore a candidate for classification through an automated scoring system. Utilizing variant allele frequency, disease prevalence and penetrance estimates, and inheritance mode, an automated score was calculated to assess if this variant is too frequent to cause the disease. Based on the score and internal cut-off values, a variant classified as benign is not then subjected to further curation. The score for this variant resulted in a classification of benign for this disease.

NM_000307.5(POU3F4):c.753G>A (p.Leu251=)

Gene: POU3F4 (POU class 3 homeobox 4; plus strand). Cytogenetic location: Xq21.1.
Variant type: single nucleotide variant.
Coding change: c.753G>A on transcript NM_000307.5 (MANE Select); coding-DNA position 753, G replaced by A.
Protein change: p.Leu251=; no amino-acid change (leucine 251 retained).
Molecular consequence: synonymous variant.
Genome position (GRCh38, 1-based): chrX:83,509,077, G>A. VCF-style: chrX-83509077-G-A. GRCh37 (hg19) VCF-style: chrX-82764085-G-A.
Identifiers: ClinVar variation 368732 (VCV000368732.13), dbSNP rs779713849, ClinGen allele CA10462801.